The following is an entry in ClinVar:

ClinVar aggregate classification (germline): Uncertain significance (1 of 4 stars; one submission).

Conditions:
Arrhythmogenic cardiomyopathy with wooly hair and keratoderma. Also called: PALMOPLANTAR KERATODERMA WITH LEFT VENTRICULAR CARDIOMYOPATHY AND WOOLLY HAIR; Carvajal syndrome; Dilated cardiomyopathy with woolly hair and keratoderma; Arrhythmogenic cardiomyopathy with woolly hair and keratoderma. Identifiers: Orphanet 65282, MedGen C1854063, MONDO:0011581, OMIM 605676.

Submission:

All of Us Research Program, National Institutes of Health
Classification: Uncertain significance for Arrhythmogenic cardiomyopathy with wooly hair and keratoderma. Last evaluated: 2023-11-20. Review status: criteria provided, single submitter. Criteria: ACMG Guidelines, 2015. Collection method: clinical testing. Allele origin: germline. Inheritance: Autosomal dominant inheritance. Observed: 1 variant allele, 1 heterozygote.
Comment: This missense variant replaces lysine with arginine at codon 821 of the DSP protein. Computational prediction suggests that this variant may not impact protein structure and function (internally defined REVEL score threshold <= 0.5, PMID: 27666373). To our knowledge, functional studies have not been reported for this variant. This variant has been reported in a sudden cardiac arrest survivor without cardiac phenotype (PMID: 30975432). This variant has not been identified in the general population by the Genome Aggregation Database (gnomAD). The available evidence is insufficient to determine the role of this variant in disease conclusively. Therefore, this variant is classified as a Variant of Uncertain Significance.

This study involves interpretation of variants in research participants for the purpose of population health screening. Participant phenotype was not available at the time of variant classification. Additional details can be found in publication PMID: 35346344, PMCID: PMC8962531

Literature cited by the submitters: PubMed 30975432.

NM_004415.4(DSP):c.2462A>G (p.Lys821Arg)

Gene: DSP (desmoplakin; plus strand). Cytogenetic location: 6p24.3.
Variant type: single nucleotide variant.
Coding change: c.2462A>G on transcript NM_004415.4 (MANE Select); coding-DNA position 2462, A replaced by G.
Protein change: p.Lys821Arg; replaces lysine 821 with arginine.
Molecular consequence: missense variant.
Genome position (GRCh38, 1-based): chr6:7,575,320, A>G. VCF-style: chr6-7575320-A-G. GRCh37 (hg19) VCF-style: chr6-7575553-A-G.
Other names: c.2462A>G, p.Lys821Arg (NM_001008844.3, NM_001319034.2); short protein forms K821R.
Identifiers: ClinVar variation 3074618 (VCV003074618.1), dbSNP rs2533908168, ClinGen allele CA362681390.
Genomic context (GRCh38, chr6:7,575,320, plus strand): 5'-ATTAATTTGCAATCTTTTTTTTTTTCATCTTGCAGAAAATAAAAAATGACTTGAACTTGA[A>G]GAAGTCGTTGTTGGCCACTATGAAGACAGAACTACAGAAAGCCCAGCAGATCCACTCTCA-3'
Protein context (NP_004406.2, residues 811-831): LKKIKNDLNL[Lys821Arg]KSLLATMKTE